The following is an entry in ClinVar:

NM_000059.4(BRCA2):c.3601A>G (p.Asn1201Asp)

Gene: BRCA2 (BRCA2 DNA repair associated; plus strand). Cytogenetic location: 13q13.1.
Variant type: single nucleotide variant.
Coding change: c.3601A>G on transcript NM_000059.4 (MANE Select); coding-DNA position 3601, A replaced by G.
Protein change: p.Asn1201Asp; replaces asparagine 1201 with aspartic acid.
Molecular consequence: missense variant.
Genome position (GRCh38, 1-based): chr13:32,337,956, A>G. VCF-style: chr13-32337956-A-G. GRCh37 (hg19) VCF-style: chr13-32912093-A-G.
Other names: short protein forms N1201D.
Identifiers: ClinVar variation 855441 (VCV000855441.11), dbSNP rs2072484460, ClinGen allele CA387777499.
Genomic context (GRCh38, chr13:32,337,956, plus strand): 5'-CAATTTGAAGGTACAGTTGAAATTAAACGGAAGTTTGCTGGCCTGTTGAAAAATGACTGT[A>G]ACAAAAGTGCTTCTGGTTATTTAACAGATGAAAATGAAGTGGGGTTTAGGGGCTTTTATT-3'
Protein context (NP_000050.3, residues 1191-1211): KFAGLLKNDC[Asn1201Asp]KSASGYLTDE

ClinVar aggregate classification (germline): Conflicting classifications of pathogenicity. Review status: criteria provided, conflicting classifications (1 of 4 stars). 2 submissions from 2 submitters: Uncertain significance (1); Likely benign (1). Last evaluated 2024-04-05.

Conditions:
Hereditary breast ovarian cancer syndrome. Also called: Hereditary breast and ovarian cancer syndrome; BRCA1- and BRCA2-Associated Hereditary Breast and Ovarian Cancer; Hereditary breast and/or ovarian cancer syndrome; Hereditary breast and ovarian cancer; Hereditary breast and ovarian cancer syndrome (HBOC); Breast and ovarian cancer. Identifiers: Orphanet 145, MedGen C0677776, MeSH D061325, MONDO:0003582. Disease mechanism: loss of function.
Hereditary cancer-predisposing syndrome. Also called: Neoplastic Syndromes, Hereditary; Hereditary Cancer Syndrome; Tumor predisposition; Hereditary neoplastic syndrome. Identifiers: Orphanet 140162, MedGen C0027672, MeSH D009386, MONDO:0015356.

Submissions (2):

Labcorp Genetics (formerly Invitae), Labcorp
Classification: Uncertain significance for Hereditary breast ovarian cancer syndrome. Last evaluated: 2024-04-05. Review status: criteria provided, single submitter. Criteria: Invitae Variant Classification Sherloc (09022015). Collection method: clinical testing. Allele origin: germline.
Comment: This sequence change replaces asparagine, which is neutral and polar, with aspartic acid, which is acidic and polar, at codon 1201 of the BRCA2 protein (p.Asn1201Asp). This variant is not present in population databases (gnomAD no frequency). This variant has not been reported in the literature in individuals affected with BRCA2-related conditions. ClinVar contains an entry for this variant (Variation ID: 855441). Advanced modeling of protein sequence and biophysical properties (such as structural, functional, and spatial information, amino acid conservation, physicochemical variation, residue mobility, and thermodynamic stability) performed at Invitae indicates that this missense variant is not expected to disrupt BRCA2 protein function with a negative predictive value of 95%. In summary, the available evidence is currently insufficient to determine the role of this variant in disease. Therefore, it has been classified as a Variant of Uncertain Significance.

University of Washington Department of Laboratory Medicine, University of Washington
Classification: Likely benign for Hereditary cancer-predisposing syndrome. Last evaluated: 2023-03-23. Review status: criteria provided, single submitter. Criteria: Dines et al. (Genet Med. 2020). Collection method: curation. Allele origin: germline.
Comment: Missense variant in a coldspot region where missense variants are very unlikely to be pathogenic (PMID:31911673).

BRCA2 exon 11 coldspot. Reclassification based on statistical prior probability.